The following is an entry in ClinVar:

NM_033118.4(MYLK2):c.885G>C (p.Lys295Asn)

Gene: MYLK2 (myosin light chain kinase 2; plus strand). Cytogenetic location: 20q11.21.
Variant type: single nucleotide variant.
Coding change: c.885G>C on transcript NM_033118.4 (MANE Select); coding-DNA position 885, G replaced by C.
Protein change: p.Lys295Asn; replaces lysine 295 with asparagine.
Molecular consequence: missense variant.
Genome position (GRCh38, 1-based): chr20:31,824,265, G>C. VCF-style: chr20-31824265-G-C. GRCh37 (hg19) VCF-style: chr20-30412068-G-C.
Other names: short protein forms K295N.
Identifiers: ClinVar variation 1036707 (VCV001036707.9), dbSNP rs749224761, ClinGen allele CA9803044.

ClinVar aggregate classification (germline): Uncertain significance (1 of 4 stars; one submission).

Conditions:
Hypertrophic cardiomyopathy 1 (CMH1). Also called: MYH7-Related Familial Hypertrophic Cardiomyopathy; Familial hypertrophic cardiomyopathy 1. Identifiers: MedGen C3495498, MONDO:0008647, OMIM 192600.

Allele frequency attached by ClinVar (database versions not stated): gnomAD 0.00001; gnomAD exomes 0.00001 and 0.00002; ExAC 0.00004; 1000 Genomes Project 30x 0.00016.
gnomAD v4.1: 4 of 1,613,540 alleles (0.00025%); highest among the groups gnomAD compares: Admixed American, 0.005%; no homozygotes.

Submission:

Labcorp Genetics (formerly Invitae), Labcorp
Classification: Uncertain significance for Hypertrophic cardiomyopathy 1. Last evaluated: 2022-02-10. Review status: criteria provided, single submitter. Criteria: Invitae Variant Classification Sherloc (09022015). Collection method: clinical testing. Allele origin: germline.
Comment: In summary, the available evidence is currently insufficient to determine the role of this variant in disease. Therefore, it has been classified as a Variant of Uncertain Significance. Algorithms developed to predict the effect of missense changes on protein structure and function are either unavailable or do not agree on the potential impact of this missense change (SIFT: "Deleterious"; PolyPhen-2: "Probably Damaging"; Align-GVGD: "Class C0"). ClinVar contains an entry for this variant (Variation ID: 1036707). This variant has not been reported in the literature in individuals affected with MYLK2-related conditions. This variant is present in population databases (rs749224761, gnomAD 0.01%). This sequence change replaces lysine, which is basic and polar, with asparagine, which is neutral and polar, at codon 295 of the MYLK2 protein (p.Lys295Asn).